The following is an entry in ClinVar:

ClinVar aggregate classification (germline): Conflicting classifications of pathogenicity. Review status: criteria provided, conflicting classifications (1 of 4 stars). 3 submissions from 3 submitters: Uncertain significance (2); Likely benign (1). Last evaluated 2025-06-18.

Conditions:
Inborn genetic diseases. Identifiers: MedGen C0950123, MeSH D030342.

Allele frequency attached by ClinVar (database versions not stated): gnomAD 0.00001; ExAC 0.00002; gnomAD exomes 0.00002; TOPMed 0.00002.
gnomAD v4.1: 11 of 1,613,778 alleles (0.00068%); highest among the groups gnomAD compares: Admixed American, 0.017%; no homozygotes.

Submissions (3):

Ambry Genetics
Classification: Uncertain significance for Inborn genetic diseases. Last evaluated: 2025-06-18. Review status: criteria provided, single submitter. Criteria: Ambry Variant Classification Scheme 2023. Collection method: clinical testing. Allele origin: germline.

GeneDx
Classification: Uncertain significance. Last evaluated: 2025-05-06. Review status: criteria provided, single submitter. Criteria: GeneDx Variant Classification Process June 2021. Collection method: clinical testing. Allele origin: germline. Affected: yes.
Comment: In silico analysis suggests that this missense variant does not alter protein structure/function; Has not been previously published as pathogenic or benign to our knowledge

Labcorp Genetics (formerly Invitae), Labcorp
Classification: Likely benign. Last evaluated: 2024-09-20. Review status: criteria provided, single submitter. Criteria: Invitae Variant Classification Sherloc (09022015). Collection method: clinical testing. Allele origin: germline.

NM_032119.4(ADGRV1):c.5872T>G (p.Ser1958Ala)

Gene: ADGRV1 (adhesion G protein-coupled receptor V1; plus strand). Cytogenetic location: 5q14.3.
Variant type: single nucleotide variant.
Coding change: c.5872T>G on transcript NM_032119.4 (MANE Select); coding-DNA position 5872, T replaced by G.
Protein change: p.Ser1958Ala; replaces serine 1958 with alanine.
Molecular consequence: missense variant. On other transcripts: non-coding transcript variant (1).
Genome position (GRCh38, 1-based): chr5:90,683,793, T>G. VCF-style: chr5-90683793-T-G. GRCh37 (hg19) VCF-style: chr5-89979610-T-G.
Other names: c.5872T>G (NM_032119.3); short protein forms S1958A.
Identifiers: ClinVar variation 2987442 (VCV002987442.5), dbSNP rs762954914, ClinGen allele CA3339680.